The following is an entry in ClinVar:

NM_172107.4(KCNQ2):c.2616G>C (p.Lys872Asn)

Gene: KCNQ2 (potassium voltage-gated channel subfamily Q member 2; minus strand). Cytogenetic location: 20q13.33.
Variant type: single nucleotide variant.
Coding change: c.2616G>C on transcript NM_172107.4 (MANE Select); coding-DNA position 2616, G replaced by C.
Protein change: p.Lys872Asn; replaces lysine 872 with asparagine.
Molecular consequence: missense variant.
Genome position (GRCh38, 1-based): chr20:63,406,647, C>G on the plus strand (G>C on the coding strand, the complement: KCNQ2 is on the minus strand). VCF-style: chr20-63406647-C-G. GRCh37 (hg19) VCF-style: chr20-62038000-C-G.
Other names: c.2670G>C, p.Lys890Asn (NM_001382235.1); c.2532G>C, p.Lys844Asn (NM_004518.6); c.2562G>C, p.Lys854Asn (NM_172106.3); c.2523G>C, p.Lys841Asn (NM_172108.5); short protein forms K844N, K841N, K854N, K872N, K890N.
Identifiers: ClinVar variation 2729556 (VCV002729556.3), dbSNP rs1204643947, ClinGen allele CA409636286.

ClinVar aggregate classification (germline): Uncertain significance (1 of 4 stars; one submission).

Conditions:
Early-infantile DEE. Also called: Early infantile epileptic encephalopathy; Early infantile epileptic encephalopathy with suppression bursts; Ohtahara syndrome. Identifiers: Orphanet 1934, MedGen C0393706, MONDO:0800491.

Submission:

Labcorp Genetics (formerly Invitae), Labcorp
Classification: Uncertain significance for Early-infantile DEE. Last evaluated: 2024-09-14. Review status: criteria provided, single submitter. Criteria: Invitae Variant Classification Sherloc (09022015). Collection method: clinical testing. Allele origin: germline.
Comment: This sequence change replaces lysine, which is basic and polar, with asparagine, which is neutral and polar, at codon 872 of the KCNQ2 protein (p.Lys872Asn). This variant is present in population databases (no rsID available, gnomAD 0.001%). This variant has not been reported in the literature in individuals affected with KCNQ2-related conditions. An algorithm developed to predict the effect of missense changes on protein structure and function (PolyPhen-2) suggests that this variant is likely to be disruptive. In summary, the available evidence is currently insufficient to determine the role of this variant in disease. Therefore, it has been classified as a Variant of Uncertain Significance.